The following is an entry in ClinVar:

NM_004260.4(RECQL4):c.596C>T (p.Pro199Leu)

Gene: RECQL4 (RecQ like helicase 4; minus strand). Cytogenetic location: 8q24.3.
Variant type: single nucleotide variant.
Coding change: c.596C>T on transcript NM_004260.4 (MANE Select); coding-DNA position 596, C replaced by T.
Protein change: p.Pro199Leu; replaces proline 199 with leucine.
Molecular consequence: missense variant.
Genome position (GRCh38, 1-based): chr8:144,516,523, G>A on the plus strand (C>T on the coding strand, the complement: RECQL4 is on the minus strand). VCF-style: chr8-144516523-G-A. GRCh37 (hg19) VCF-style: chr8-145741907-G-A.
Other names: short protein forms P199L.
Identifiers: ClinVar variation 565666 (VCV000565666.6), dbSNP rs1564808023, ClinGen allele CA372690145.

ClinVar aggregate classification (germline): Uncertain significance. Review status: criteria provided, multiple submitters, no conflicts (2 of 4 stars). 2 submissions from 2 submitters: Uncertain significance (2). Last evaluated 2024-12-25.

Conditions:
Inborn genetic diseases. Identifiers: MedGen C0950123, MeSH D030342.
Baller-Gerold syndrome (BGS). Also called: CRANIOSYNOSTOSIS WITH RADIAL DEFECTS. Identifiers: Orphanet 1225, MedGen C0265308, MONDO:0009039, OMIM 218600.

Submissions (2):

Ambry Genetics
Classification: Uncertain significance for Inborn genetic diseases. Last evaluated: 2024-12-25. Review status: criteria provided, single submitter. Criteria: Ambry Variant Classification Scheme 2023. Collection method: clinical testing. Allele origin: germline.
Comment: The p.P199L variant (also known as c.596C>T), located in coding exon 5 of the RECQL4 gene, results from a C to T substitution at nucleotide position 596. The proline at codon 199 is replaced by leucine, an amino acid with similar properties. This amino acid position is conserved. In addition, this alteration is predicted to be tolerated by in silico analysis. Based on the available evidence, the clinical significance of this variant remains unclear.

Labcorp Genetics (formerly Invitae), Labcorp
Classification: Uncertain significance for Baller-Gerold syndrome. Last evaluated: 2024-05-21. Review status: criteria provided, single submitter. Criteria: Invitae Variant Classification Sherloc (09022015). Collection method: clinical testing. Allele origin: germline.
Comment: This sequence change replaces proline, which is neutral and non-polar, with leucine, which is neutral and non-polar, at codon 199 of the RECQL4 protein (p.Pro199Leu). This variant is not present in population databases (gnomAD no frequency). This variant has not been reported in the literature in individuals affected with RECQL4-related conditions. ClinVar contains an entry for this variant (Variation ID: 565666). Advanced modeling of protein sequence and biophysical properties (such as structural, functional, and spatial information, amino acid conservation, physicochemical variation, residue mobility, and thermodynamic stability) performed at Invitae indicates that this missense variant is not expected to disrupt RECQL4 protein function with a negative predictive value of 80%. In summary, the available evidence is currently insufficient to determine the role of this variant in disease. Therefore, it has been classified as a Variant of Uncertain Significance.